The following is an entry in ClinVar:

ClinVar aggregate classification (germline): Conflicting classifications of pathogenicity. Review status: criteria provided, conflicting classifications (1 of 4 stars). 16 submissions from 16 submitters: Uncertain significance (2); Likely benign (8). 6 of the submissions do not count toward it. Last evaluated 2026-01-15.

Conditions:
BRCA2-related disorder. Also called: BRCA2-related condition; BRCA2-related disorders. Identifiers: MedGen CN239275.
Hereditary cancer-predisposing syndrome. Also called: Tumor predisposition; Neoplastic Syndromes, Hereditary; Hereditary neoplastic syndrome; Hereditary Cancer Syndrome. Identifiers: Orphanet 140162, MedGen C0027672, MeSH D009386, MONDO:0015356.
Breast and/or ovarian cancer. Identifiers: MedGen CN221562.
Hereditary breast ovarian cancer syndrome. Also called: Hereditary breast and ovarian cancer; Hereditary breast and ovarian cancer syndrome (HBOC); Hereditary breast and/or ovarian cancer syndrome; Breast and ovarian cancer; Hereditary breast and ovarian cancer syndrome; BRCA1- and BRCA2-Associated Hereditary Breast and Ovarian Cancer. Identifiers: Orphanet 145, MedGen C0677776, MeSH D061325, MONDO:0003582. Disease mechanism: loss of function.
Breast-ovarian cancer, familial, susceptibility to, 2 (BROVCA2). Also called: BRCA2 Hereditary Breast and Ovarian Cancer. Identifiers: Orphanet 145, MedGen C2675520, MONDO:0012933, OMIM 612555. Disease mechanism: loss of function.
Malignant tumor of breast. Also called: Malignant breast neoplasm; Cancer breast. Identifiers: MedGen C0006142, MONDO:0007254. Disease mechanism: loss of function.

Allele frequency attached by ClinVar (database versions not stated): ExAC 0.00005; TOPMed 0.00006; gnomAD exomes 0.00007; gnomAD 0.00008 and 0.00009.
gnomAD v4.1: 107 of 1,601,338 alleles (0.0067%); highest among the groups gnomAD compares: Non-Finnish European, 0.0089%; no homozygotes.

Submissions 1 to 15 of 16:

Labcorp Genetics (formerly Invitae), Labcorp
Classification: Likely benign for Hereditary breast ovarian cancer syndrome. Last evaluated: 2026-01-15. Review status: criteria provided, single submitter. Criteria: Invitae Variant Classification Sherloc (09022015). Collection method: clinical testing. Allele origin: germline.

Center for Genomic Medicine, Rigshospitalet, Copenhagen University Hospital
Classification: Likely benign. Last evaluated: 2025-03-04. Review status: criteria provided, single submitter. Criteria: ACMG Guidelines, 2015. Collection method: clinical testing. Allele origin: germline.

Quest Diagnostics Nichols Institute San Juan Capistrano
Classification: Uncertain significance. Last evaluated: 2025-01-31. Review status: criteria provided, single submitter. Criteria: Quest Diagnostics criteria. Collection method: clinical testing. Allele origin: unknown.
Comment: The BRCA2 c.3218A>G (p.Gln1073Arg) variant has been reported in the published literature in individuals affected with breast/ovarian cancer (PMID: 22476429 (2012), 22711857 (2012), 33471991 (2021), see also LOVD) and prostate cancer (PMID: 25111659 (2014)). This variant has also been identified in reportedly healthy individuals (PMID: 33471991 (2021), see also LOVD). In addition, a functional study reports that this variant interferes with BRCA2 protein function (PMID: 22293751 (2012)). The frequency of this variant in the general population (Genome Aggregation Database) is uninformative in the assessment of its pathogenicity. Analysis of this variant using bioinformatics tools for the prediction of the effect of amino acid changes on protein structure and function yielded predictions that this variant is benign. Based on the available information, we are unable to determine the clinical significance of this variant.

Women's Health and Genetics/Laboratory Corporation of America, LabCorp
Classification: Uncertain significance. Last evaluated: 2024-09-11. Review status: criteria provided, single submitter. Criteria: LabCorp Variant Classification Summary - May 2015. Collection method: clinical testing. Allele origin: germline.
Comment: Variant summary: BRCA2 c.3218A>G (p.Gln1073Arg) results in a conservative amino acid change in the encoded protein sequence. Five of five in-silico tools predict a benign effect of the variant on protein function. The variant allele was found at a frequency of 6.6e-05 in 242708 control chromosomes, predominantly at a frequency of 0.00014 within the Non-Finnish European subpopulation in the gnomAD database. This frequency is not significantly higher than estimated for a pathogenic variant in BRCA2 causing Hereditary Breast And Ovarian Cancer Syndrome (6.6e-05 vs 0.00075), allowing no conclusion about variant significance. c.3218A>G has been reported in the literature in individuals affected with breast and/or ovarian cancer, prostate cancer, urothelial cancer and uterine cancer (Zhu_2020, Alsop_2012, Lu_2012, Maier_2014, Rodriguez-Vida_2014, Lu_2015), without strong evidence for causality. In addition, this variant has been reported insignificantly present in both case and control cohorts in a large case-control study of breast cancer (4/60466 cases vs 3/53461 controls, Dorling_2021). Functional studies show that this variant alters the BRCA2-APRIN interaction independently of the BRC1-RAD51 interaction but was able to partially rescue homologous recombination in BRCA2-deficient cells to about 65% of normal function (Brough_2012). The following publications have been ascertained in the context of this evaluation (PMID: 22711857, 22293751, 33471991, 22476429, 26689913, 25111659, 26497743, 31265121). ClinVar contains an entry for this variant (Variation ID: 37828). Based on the evidence outlined above, the variant was classified as VUS-possibly benign.

German Consortium for Hereditary Breast and Ovarian Cancer, University Hospital Cologne
Classification: Likely benign for Hereditary breast ovarian cancer syndrome. Last evaluated: 2024-01-08. Review status: criteria provided, single submitter. Criteria: ClinGen BRCA2 V1.0.0. Collection method: curation. Allele origin: germline.
Comment: . According to the ClinGen ENIGMA BRCA2 v1.0.0 criteria we chose this criterium: BP1 (strong benign): BP1_Strong for silent substitution, missense or in-frame insertion, deletion or delins variants outside a (potentially) clinically important functional domain AND no splicing predicted (spliceAI: BRCA2: 0.0)

University of Washington Department of Laboratory Medicine, University of Washington
Classification: Likely benign for Hereditary cancer-predisposing syndrome. Last evaluated: 2023-03-23. Review status: criteria provided, single submitter. Criteria: Dines et al. (Genet Med. 2020). Collection method: curation. Allele origin: germline.
Comment: Missense variant in a coldspot region where missense variants are very unlikely to be pathogenic (PMID:31911673).

BRCA2 exon 11 coldspot. Reclassification based on statistical prior probability.

CHEO Genetics Diagnostic Laboratory, Children's Hospital of Eastern Ontario
Classification: Likely benign for Breast and/or ovarian cancer. Last evaluated: 2023-01-25. Review status: criteria provided, single submitter. Criteria: ACMG Guidelines, 2015. Collection method: clinical testing. Allele origin: germline.

GeneDx
Classification: Likely benign. Last evaluated: 2019-05-20. Review status: criteria provided, single submitter. Criteria: GeneDx Variant Classification Process June 2021. Collection method: clinical testing. Allele origin: germline. Affected: yes.
Comment: This variant is associated with the following publications: (PMID: 28726806, 27067391, 26497743, 22293751, 22711857, 25111659)

Ambry Genetics
Classification: Likely benign for Hereditary cancer-predisposing syndrome. Last evaluated: 2018-11-14. Review status: criteria provided, single submitter. Criteria: Ambry Variant Classification Scheme 2023. Collection method: clinical testing. Allele origin: germline.

Color Diagnostics, LLC DBA Color Health
Classification: Likely benign for Hereditary cancer-predisposing syndrome. Last evaluated: 2016-02-22. Review status: criteria provided, single submitter. Criteria: ACMG Guidelines, 2015. Collection method: clinical testing. Allele origin: germline.

PreventionGenetics, part of Exact Sciences
Classification: Uncertain significance for BRCA2-related condition. Last evaluated: 2024-06-24. Review status: no assertion criteria provided. Collection method: clinical testing. Allele origin: germline. Not counted in ClinVar's aggregate classification.
Comment: The BRCA2 c.3218A>G variant is predicted to result in the amino acid substitution p.Gln1073Arg. This variant has been reported in individuals and families affected with breast and/or ovarian cancer and prostate cancer (Alsop et al. 2012. PubMed ID: 22711857; Lu et al. 2012. PubMed ID: 22476429; Maier et al. 2014. PubMed ID: 25111659; Lu at al. 2015. PubMed ID: 26689913, Supplementary Data 12). A functional study showed that this variant alters the normal BRCA2 protein function (Brough et al. 2012. PubMed ID: 22293751). This variant occurs within a region of the BRCA2 gene that is predicted to be tolerant to missense variation (Table 2, Dines et al. 2020. PubMed ID: 31911673). This variant is reported in 0.013% of alleles in individuals of European (Non-Finnish) descent in gnomAD and has conflicting interpretations regarding its pathogenicity in ClinVar, ranging from likely benign to uncertain. At this time, the clinical significance of this variant is uncertain due to the absence of conclusive functional and genetic evidence.

Zotz-Klimas Genetics Lab, MVZ Zotz Klimas
Classification: Uncertain significance for Breast-ovarian cancer, familial, susceptibility to, 2. Last evaluated: 2023-10-30. Review status: no assertion criteria provided. Collection method: clinical testing. Allele origin: germline. Affected: yes. Not counted in ClinVar's aggregate classification.

Counsyl
Classification: Uncertain significance for Breast-ovarian cancer, familial, susceptibility to, 2. Last evaluated: 2016-02-19. Review status: no assertion criteria provided. Collection method: clinical testing. Allele origin: unknown. Not counted in ClinVar's aggregate classification.

Sharing Clinical Reports Project (SCRP)
Classification: Likely benign for Breast-ovarian cancer, familial 2. Last evaluated: 2013-03-18. Review status: no assertion criteria provided. Collection method: clinical testing. Allele origin: germline. Not counted in ClinVar's aggregate classification.

Breast Cancer Information Core (BIC) (BRCA2)
Classification: Uncertain significance for Breast-ovarian cancer, familial 2. Last evaluated: 2004-02-20. Review status: no assertion criteria provided. Collection method: clinical testing. Allele origin: germline. Affected: yes. Observed: 3 variant alleles. Not counted in ClinVar's aggregate classification.

NM_000059.4(BRCA2):c.3218A>G (p.Gln1073Arg)

Gene: BRCA2 (BRCA2 DNA repair associated; plus strand). Cytogenetic location: 13q13.1.
Variant type: single nucleotide variant.
Coding change: c.3218A>G on transcript NM_000059.4 (MANE Select); coding-DNA position 3218, A replaced by G.
Protein change: p.Gln1073Arg; replaces glutamine 1073 with arginine.
Molecular consequence: missense variant.
Genome position (GRCh38, 1-based): chr13:32,337,573, A>G. VCF-style: chr13-32337573-A-G. GRCh37 (hg19) VCF-style: chr13-32911710-A-G.
Other names: p.Q1073R:CAG>CGG; 3446A>G; short protein forms Q1073R.
Identifiers: ClinVar variation 37828 (VCV000037828.35), dbSNP rs80358566, ClinGen allele CA017573.